The following is an entry in ClinVar:

ClinVar aggregate classification (germline): Uncertain significance (1 of 4 stars; one submission).

Submission:

Labcorp Genetics (formerly Invitae), Labcorp
Classification: Uncertain significance. Last evaluated: 2025-10-07. Review status: criteria provided, single submitter. Criteria: Invitae Variant Classification Sherloc (09022015). Collection method: clinical testing. Allele origin: germline.
Comment: This sequence change creates a premature translational stop signal (p.Ser206Alafs*3) in the DMRT2 gene. While this is not anticipated to result in nonsense mediated decay, it is expected to disrupt the last 21 amino acid(s) of the DMRT2 protein. This variant is not present in population databases (gnomAD no frequency). This variant has not been reported in the literature in individuals affected with DMRT2-related conditions. Experimental studies and prediction algorithms are not available or were not evaluated, and the functional significance of this variant is currently unknown. In summary, the available evidence is currently insufficient to determine the role of this variant in disease. Therefore, it has been classified as a Variant of Uncertain Significance.

NM_181872.6(DMRT2):c.612del (p.Ser206fs)

Gene: DMRT2 (doublesex and mab-3 related transcription factor 2; plus strand). Cytogenetic location: 9p24.3.
Variant type: Deletion.
Coding change: c.612del on transcript NM_181872.6 (MANE Select); coding-DNA position 612, one base deleted (C; older notation c.612delC).
Protein change: p.Ser206fs; shifts the reading frame from serine 206.
Molecular consequence: frameshift variant. On other transcripts: 5 prime UTR variant (1), non-coding transcript variant (1).
Genome position (GRCh38, 1-based): chr9:1,053,808, C deleted; the last of 2 consecutive C bases (chr9:1,053,807-1,053,808); deleting either gives the same sequence. VCF-style (leftmost placement, unchanged base first): chr9-1053806-GC-G. GRCh37 (hg19) VCF-style: chr9-1053806-GC-G.
Other names: c.612del, p.Ser206fs (NM_001130865.3, NM_001370531.1, NM_001370533.1 and 4 more transcripts); c.90del, p.Ser32fs (NM_001370532.1); c.-88del (NM_001387560.1); short protein forms S32fs, S206fs.
Identifiers: ClinVar variation 4728657 (VCV004728657.1).